The following is an entry in ClinVar:

ClinVar aggregate classification (germline): Likely pathogenic (1 of 4 stars; one submission).

Conditions:
VPS13A-related neurodegenerative disease. Also called: LEVINE-CRITCHLEY SYNDROME; Choreoacanthocytosis; Chorea-acanthocytosis; VPS13A Disease; Choreaacanthocytosis; ACANTHOCYTOSIS WITH NEUROLOGIC DISORDER. Identifiers: Orphanet 2388, MedGen C0393576, MONDO:0008695, OMIM 200150.

Submission:

Natera, Inc.
Classification: Likely pathogenic for Choreaacanthocytosis. Last evaluated: 2025-02-27. Review status: criteria provided, single submitter. Criteria: Natera Variant Classification Schema (03/2026). Collection method: clinical testing. Allele origin: germline.
Comment: The c.1225-1G>A variant in VPS13A is a canonical splice acceptor site variant predicted to affect pre-mRNA splicing, which may result in an abnormal transcript and altered protein product. This variant is expected to result in nonsense mediated decay, truncation, or a dysfunctional protein product. This variant is rare in the general population with a frequency below the threshold expected for the associated phenotype(s). Given the available evidence, this variant is classified as Likely Pathogenic.

NM_033305.3(VPS13A):c.1225-1G>A

Gene: VPS13A (vacuolar protein sorting 13 homolog A; plus strand). Cytogenetic location: 9q21.2.
Variant type: single nucleotide variant.
Coding change: c.1225-1G>A on transcript NM_033305.3 (MANE Select); the canonical splice acceptor site of the intron before coding-DNA position 1225, G replaced by A.
Molecular consequence: splice acceptor variant.
Genome position (GRCh38, 1-based): chr9:77,226,465, G>A. VCF-style: chr9-77226465-G-A. GRCh37 (hg19) VCF-style: chr9-79841381-G-A.
Other names: c.1225-1G>A (NM_001018037.2, NM_015186.4, NM_001018038.3).
Identifiers: ClinVar variation 4063012 (VCV004063012.3).